The following is an entry in ClinVar:

ClinVar aggregate classification (germline): Uncertain significance (1 of 4 stars; one submission).

Submission:

Ambry Genetics
Classification: Uncertain significance. Last evaluated: 2025-03-14. Review status: criteria provided, single submitter. Criteria: Ambry Variant Classification Scheme 2023. Collection method: clinical testing. Allele origin: germline.
Comment: The p.L31F variant (also known as c.91C>T), located in coding exon 1 of the SRP72 gene, results from a C to T substitution at nucleotide position 91. The leucine at codon 31 is replaced by phenylalanine, an amino acid with highly similar properties. This amino acid position is conserved. In addition, the in silico prediction for this alteration is inconclusive. Based on the available evidence, the clinical significance of this variant remains unclear.

NM_006947.4(SRP72):c.91C>T (p.Leu31Phe)

Gene: SRP72 (signal recognition particle 72; plus strand). Cytogenetic location: 4q12.
Variant type: single nucleotide variant.
Coding change: c.91C>T on transcript NM_006947.4 (MANE Select); coding-DNA position 91, C replaced by T.
Protein change: p.Leu31Phe; replaces leucine 31 with phenylalanine.
Molecular consequence: missense variant. On other transcripts: non-coding transcript variant (1).
Genome position (GRCh38, 1-based): chr4:56,467,726, C>T. VCF-style: chr4-56467726-C-T. GRCh37 (hg19) VCF-style: chr4-57333892-C-T.
Other names: c.91C>T, p.Leu31Phe (NM_001267722.2); short protein forms L31F.
Identifiers: ClinVar variation 3801524 (VCV003801524.1).